The following is an entry in ClinVar:

NM_001199107.2(TBC1D24):c.1078C>T (p.Arg360Cys)

Gene: TBC1D24 (TBC1 domain family member 24; plus strand). Cytogenetic location: 16p13.3.
Variant type: single nucleotide variant.
Coding change: c.1078C>T on transcript NM_001199107.2 (MANE Select); coding-DNA position 1078, C replaced by T.
Protein change: p.Arg360Cys; replaces arginine 360 with cysteine.
Molecular consequence: missense variant.
Genome position (GRCh38, 1-based): chr16:2,498,332, C>T. VCF-style: chr16-2498332-C-T. GRCh37 (hg19) VCF-style: chr16-2548333-C-T.
Other names: p.Arg360Cys; c.1060C>T, p.Arg354Cys (NM_020705.3); short protein forms R360C, R354C.
Identifiers: ClinVar variation 375707 (VCV000375707.57), dbSNP rs1057519629, ClinGen allele CA16044431.

ClinVar aggregate classification (germline): Conflicting classifications of pathogenicity. Review status: criteria provided, conflicting classifications (1 of 4 stars). 6 submissions from 6 submitters: Pathogenic (2); Likely pathogenic (1); Uncertain significance (2). 1 of the submissions does not count toward it. Last evaluated 2024-11-22.

Conditions:
TBC1D24-related disorder. Also called: TBC1D24-related disorders; TBC1D24-related condition. Identifiers: MedGen CN381194.
Developmental and epileptic encephalopathy, 1 (DEE1). Also called: OHTAHARA SYNDROME, X-LINKED; X-linked infantile spasms; West's syndrome; Tonic spasms with clustering, arrest of psychomotor development and hypsarrhythmia on EEG; X-Linked Infantile Spasm Syndrome; Epileptic encephalopathy, early infantile, 1. Identifiers: MedGen C3463992, MONDO:0010632, OMIM 308350. Disease mechanism: loss of function.
Autosomal dominant nonsyndromic hearing loss 65. Also called: TBC1D24-Related Autosomal Dominant Nonsyndromic Hearing Loss (DFNA); Deafness, autosomal dominant 65. Identifiers: Orphanet 90635, MedGen C3892048, MONDO:0014470, OMIM 616044.
Developmental and epileptic encephalopathy, 16 (DEE16). Also called: Early infantile epileptic encephalopathy 16; TBC1D24-Related Developmental and Epileptic Encephalopathy (DEE). Identifiers: Orphanet 293181, Orphanet 352596, MedGen C3809173, MONDO:0014133, OMIM 615338.
Parkinsonian disorder. Also called: Parkinsonism. Identifiers: MedGen C0242422, MONDO:0021095, HP:0001300.

Allele frequency attached by ClinVar (database versions not stated): gnomAD exomes 0.00001 and 0.00002; gnomAD 0.00002; TOPMed 0.00009.
gnomAD v4.1: 15 of 1,610,172 alleles (0.00093%); highest among the groups gnomAD compares: Admixed American, 0.0017%; no homozygotes.

Submissions (6):

Labcorp Genetics (formerly Invitae), Labcorp
Classification: Pathogenic for Developmental and epileptic encephalopathy, 1; Autosomal dominant nonsyndromic hearing loss 65. Last evaluated: 2024-11-22. Review status: criteria provided, single submitter. Criteria: Invitae Variant Classification Sherloc (09022015). Collection method: clinical testing. Allele origin: germline.
Comment: This sequence change replaces arginine, which is basic and polar, with cysteine, which is neutral and slightly polar, at codon 360 of the TBC1D24 protein (p.Arg360Cys). This variant is present in population databases (no rsID available, gnomAD 0.01%). This missense change has been observed in individual(s) with TBC1D24-related conditions (PMID: 28663785, 29429257, 29933521). In at least one individual the data is consistent with being in trans (on the opposite chromosome) from a pathogenic variant. This variant is also known as c.1060C>T (p.Arg354Cys). ClinVar contains an entry for this variant (Variation ID: 375707). Invitae Evidence Modeling of protein sequence and biophysical properties (such as structural, functional, and spatial information, amino acid conservation, physicochemical variation, residue mobility, and thermodynamic stability) indicates that this missense variant is expected to disrupt TBC1D24 protein function with a positive predictive value of 95%. This variant disrupts the p.Arg360 amino acid residue in TBC1D24. Other variant(s) that disrupt this residue have been observed in individuals with TBC1D24-related conditions (PMID: 25401298, 28663785), which suggests that this may be a clinically significant amino acid residue. For these reasons, this variant has been classified as Pathogenic.

Victorian Clinical Genetics Services, Murdoch Childrens Research Institute
Classification: Pathogenic for Developmental and epileptic encephalopathy, 16. Last evaluated: 2023-07-17. Review status: criteria provided, single submitter. Criteria: ACMG Guidelines, 2015. Collection method: clinical testing. Allele origin: germline. Inheritance: Autosomal recessive inheritance. Affected: yes.
Comment: Based on the classification scheme VCGS_Germline_v1.3.4, this variant is classified as Pathogenic. Following criteria are met: 0102 - Loss of function is a known mechanism of disease in this gene and is associated with autosomal recessive deafness 86 (MIM#614617), DOORS syndrome (MIM#220500), epilepsy, rolandic, with proxysmal exercise-induce dystonia and writer's cramp (MIM#608105), developmental and epileptic encephalopathy 16 (MIM#615338) and familial, infantile myoclonic epilepsy (MIM#605021). Dominant negative or gain of function is suggested mechanism of autosomal dominant deafness, 65 (MIM#616044) (PMID: 27281533). (I) 0106 - This gene is associated with autosomal recessive disease. Autosomal dominant disease is a rare association. (I) 0200 - Variant is predicted to result in a missense amino acid change from arginine to cysteine. (I) 0251 - This variant is heterozygous. (I) 0304 - Variant is present in gnomAD <0.01 for a recessive condition (v2) (6 heterozygotes, 0 homozygotes). (SP) 0309 - Multiple alternative amino acid changes at the same position have been observed in gnomAD (highest allele count v2: 4 heterozygotes, 0 homozygotes). (I) 0501 - Missense variant consistently predicted to be damaging by multiple in silico tools or highly conserved with a major amino acid change. (SP) 0600 - Variant is located in the annotated TLDc domain (uniprot, NCBI). (I) 0703 - Other missense variants comparable to the one identified in this case have moderate previous evidence for pathogenicity. Both variants, p.(Arg360His) and p.(Arg360Leu), have been reported as VUS, likely pathogenic or pathogenic (ClinVar), and have been observed in compound heterozygous individuals with TBC1D24-related epilepsy (PMID: 31257402, 25401298). (SP) 0808 - Previous reports of pathogenicity for this variant are conflicting. This variant has been reported as likely pathogenic and as a VUS (ClinVar). It has also been reported in two compound heterozygous individuals, one with a severe neurological condition, and another with global developmental delay and epilepsy (PMID: 28663785, PMID: 29933521). (I) 0905 - No published segregation evidence has been identified for this variant. (I) 1007 - No published functional evidence has been identified for this variant. (I) 1201 - Heterozygous variant detected in trans with a second pathogenic heterozygous variant [p.(His336Glnfs*12)] in a recessive disease. (SP) 1208 - Inheritance information for this variant is not currently available in this individual. (I) Legend: (SP) - Supporting pathogenic, (I) - Information, (SB) - Supporting benign

Mayo Clinic Laboratories, Mayo Clinic
Classification: Uncertain significance. Last evaluated: 2021-05-10. Review status: criteria provided, single submitter. Criteria: ACMG Guidelines, 2015. Collection method: clinical testing. Allele origin: germline.

Blueprint Genetics
Classification: Likely pathogenic for TBC1D24-related disorders. Last evaluated: 2021-02-17. Review status: criteria provided, single submitter. Criteria: ACMG Guidelines, 2015. Collection method: clinical testing. Allele origin: germline. Affected: yes. Observed: 2 variant alleles.

CeGaT Center for Human Genetics Tuebingen
Classification: Uncertain significance. Last evaluated: 2019-04-01. Review status: criteria provided, single submitter. Criteria: CeGaT Center For Human Genetics Tuebingen Variant Classification Criteria Version 2. Collection method: clinical testing. Allele origin: germline. Affected: yes. Observed: 2 variant alleles.

Tgen's Center for Rare Childhood Disorders, Translational Genomics Research Institute (tgen)
Classification: Pathogenic for Parkinsonian disorder. Last evaluated: 2017-01-10. Review status: no assertion criteria provided. Collection method: clinical testing. Allele origin: germline. Inheritance: Autosomal recessive inheritance. Affected: yes. Observed: 1 compound heterozygote. Segregation with disease observed. Not counted in ClinVar's aggregate classification.

Literature cited by the submitters: PubMed 28663785 (cited by Labcorp Genetics (formerly Invitae), Labcorp and Victorian Clinical Genetics Services, Murdoch Childrens Research Institute); PubMed 29429257 (cited by Labcorp Genetics (formerly Invitae), Labcorp); PubMed 29933521 (cited by Labcorp Genetics (formerly Invitae), Labcorp and Victorian Clinical Genetics Services, Murdoch Childrens Research Institute); PubMed 25401298 (cited by Labcorp Genetics (formerly Invitae), Labcorp and Victorian Clinical Genetics Services, Murdoch Childrens Research Institute); PubMed 27281533 (cited by Victorian Clinical Genetics Services, Murdoch Childrens Research Institute); PubMed 31257402 (cited by Victorian Clinical Genetics Services, Murdoch Childrens Research Institute); PubMed 27541164 (cited by Tgen's Center for Rare Childhood Disorders, Translational Genomics Research Institute (tgen)).